The following is an entry in ClinVar:

NM_006231.4(POLE):c.2026+1G>T

Gene: POLE (DNA polymerase epsilon, catalytic subunit; minus strand). Cytogenetic location: 12q24.33.
Variant type: single nucleotide variant.
Coding change: c.2026+1G>T on transcript NM_006231.4 (MANE Select); the canonical splice donor site of the intron after coding-DNA position 2026, G replaced by T.
Molecular consequence: splice donor variant.
Genome position (GRCh38, 1-based): chr12:132,668,634, C>A on the plus strand (G>T on the coding strand, the complement: POLE is on the minus strand). VCF-style: chr12-132668634-C-A. GRCh37 (hg19) VCF-style: chr12-133245220-C-A.
Identifiers: ClinVar variation 1432908 (VCV001432908.9), dbSNP rs768964210, ClinGen allele CA387354618.
Genomic context (GRCh38, chr12:132,668,634, plus strand): 5'-GGCGGCCGACACTCACCCACCCGTTTCCCACCGAGTGCCCACCCAGGCGGCCGACACTCA[C>A]TGAACTCGCCCCTCCACTGCCAGGCCATCTTCCGCTGGCAGTTTGCTCCAGGCTTATTGA-3'

ClinVar aggregate classification (germline): Conflicting classifications of pathogenicity. Review status: criteria provided, conflicting classifications (1 of 4 stars). 2 submissions from 2 submitters: Likely pathogenic (1); Uncertain significance (1). Last evaluated 2026-03-16.

Conditions:
Hereditary cancer-predisposing syndrome. Also called: Tumor predisposition; Neoplastic Syndromes, Hereditary; Hereditary Cancer Syndrome; Hereditary neoplastic syndrome. Identifiers: Orphanet 140162, MedGen C0027672, MeSH D009386, MONDO:0015356.

Submissions (2):

Ambry Genetics
Classification: Uncertain significance for Hereditary cancer-predisposing syndrome. Last evaluated: 2026-03-16. Review status: criteria provided, single submitter. Criteria: Ambry Variant Classification Scheme 2023. Collection method: clinical testing. Allele origin: germline.
Comment: The c.2026+1G>T intronic variant results from a G to T substitution one nucleotide after coding exon 18 of the POLE gene. Variants that disrupt the canonical splice site are expected to result in aberrant splicing. In silico splice site analysis predicts that this alteration will weaken the native splice donor site and will result in the creation or strengthening of a novel splice donor site. A resulting transcript is predicted to be in-frame and is not expected to trigger nonsense-mediated mRNAdecay; although, direct evidence is unavailable. This nucleotide position is highly conserved in available vertebrate species. Based on the available evidence, the clinical significance of this variant remains unclear.

Labcorp Genetics (formerly Invitae), Labcorp
Classification: Likely pathogenic. Last evaluated: 2022-05-12. Review status: criteria provided, single submitter. Criteria: Invitae Variant Classification Sherloc (09022015). Collection method: clinical testing. Allele origin: germline.
Comment: This sequence change affects a donor splice site in intron 18 of the POLE gene. It is expected to disrupt RNA splicing. Variants that disrupt the donor or acceptor splice site typically lead to a loss of protein function (PMID: 16199547), and loss-of-function variants in POLE are known to be pathogenic (PMID: 23230001, 25948378, 30503519). This variant is not present in population databases (gnomAD no frequency). This variant has not been reported in the literature in individuals affected with POLE-related conditions. Algorithms developed to predict the effect of sequence changes on RNA splicing suggest that this variant may disrupt the consensus splice site. In summary, the currently available evidence indicates that the variant is pathogenic, but additional data are needed to prove that conclusively. Therefore, this variant has been classified as Likely Pathogenic.

Literature cited by the submitters: PubMed 16199547 (cited by Labcorp Genetics (formerly Invitae), Labcorp); PubMed 23230001 (cited by Labcorp Genetics (formerly Invitae), Labcorp); PubMed 25948378 (cited by Labcorp Genetics (formerly Invitae), Labcorp); PubMed 30503519 (cited by Labcorp Genetics (formerly Invitae), Labcorp).